The following is an entry in ClinVar:

NM_003072.5(SMARCA4):c.127A>G (p.Met43Val)

Gene: SMARCA4 (SWI/SNF related BAF chromatin remodeling complex subunit ATPase 4; plus strand). Cytogenetic location: 19p13.2.
Variant type: single nucleotide variant.
Coding change: c.127A>G on transcript NM_003072.5 (MANE Select); coding-DNA position 127, A replaced by G.
Protein change: p.Met43Val; replaces methionine 43 with valine.
Molecular consequence: missense variant. On other transcripts: non-coding transcript variant (1).
Genome position (GRCh38, 1-based): chr19:10,984,278, A>G. VCF-style: chr19-10984278-A-G. GRCh37 (hg19) VCF-style: chr19-11094954-A-G.
Other names: c.127A>G, p.Met43Val (NM_001128844.3, NM_001128845.2, NM_001128846.2 and 5 more transcripts); short protein forms M43V.
Identifiers: ClinVar variation 658709 (VCV000658709.9), dbSNP rs375812959, ClinGen allele CA305285721.

ClinVar aggregate classification (germline): Uncertain significance. Review status: criteria provided, multiple submitters, no conflicts (2 of 4 stars). 2 submissions from 2 submitters: Uncertain significance (2). Last evaluated 2024-03-21.

Conditions:
Hereditary cancer-predisposing syndrome. Also called: Hereditary neoplastic syndrome; Neoplastic Syndromes, Hereditary; Hereditary Cancer Syndrome; Tumor predisposition. Identifiers: Orphanet 140162, MedGen C0027672, MeSH D009386, MONDO:0015356.
Rhabdoid tumor predisposition syndrome 2 (RTPS2). Identifiers: Orphanet 231108, Orphanet 69077, MedGen C2750074, MONDO:0013224, OMIM 613325.

Allele frequency attached by ClinVar (database versions not stated): ESP Exome Variant Server 0.00008.
gnomAD v4.1: 1 of 1,610,788 alleles (0.000062%); highest among the groups gnomAD compares: Non-Finnish European, 0.000085%; no homozygotes.

Submissions (2):

Ambry Genetics
Classification: Uncertain significance for Hereditary cancer-predisposing syndrome. Last evaluated: 2024-03-21. Review status: criteria provided, single submitter. Criteria: Ambry Variant Classification Scheme 2023. Collection method: clinical testing. Allele origin: germline.
Comment: The p.M43V variant (also known as c.127A>G), located in coding exon 1 of the SMARCA4 gene, results from an A to G substitution at nucleotide position 127. The methionine at codon 43 is replaced by valine, an amino acid with highly similar properties. This amino acid position is highly conserved in available vertebrate species. In addition, the in silico prediction for this alteration is inconclusive. Based on the available evidence, the clinical significance of this alteration remains unclear.

Labcorp Genetics (formerly Invitae), Labcorp
Classification: Uncertain significance for Rhabdoid tumor predisposition syndrome 2. Last evaluated: 2018-11-16. Review status: criteria provided, single submitter. Criteria: Invitae Variant Classification Sherloc (09022015). Collection method: clinical testing. Allele origin: germline.
Comment: In summary, the available evidence is currently insufficient to determine the role of this variant in disease. Therefore, it has been classified as a Variant of Uncertain Significance. Algorithms developed to predict the effect of sequence changes on RNA splicing suggest that this variant may create or strengthen a splice site, but this prediction has not been confirmed by published transcriptional studies. This variant has not been reported in the literature in individuals with SMARCA4-related disease. This variant is not present in population databases (ExAC no frequency). This sequence change replaces methionine with valine at codon 43 of the SMARCA4 protein (p.Met43Val). The methionine residue is highly conserved and there is a small physicochemical difference between methionine and valine.